The following is an entry in ClinVar:

NM_001291088.2(WDR87):c.7764G>C (p.Leu2588=)

Gene: WDR87 (WD repeat domain 87; minus strand). Cytogenetic location: 19q13.13.
Variant type: single nucleotide variant.
Coding change: c.7764G>C on transcript NM_001291088.2 (MANE Select); coding-DNA position 7764, G replaced by C.
Protein change: p.Leu2588=; no amino-acid change (leucine 2588 retained).
Molecular consequence: synonymous variant.
Genome position (GRCh38, 1-based): chr19:37,885,907, C>G on the plus strand (G>C on the coding strand, the complement: WDR87 is on the minus strand). VCF-style: chr19-37885907-C-G. GRCh37 (hg19) VCF-style: chr19-38376547-C-G.
Other names: c.7647G>C, p.Leu2549= (NM_031951.5).
Identifiers: ClinVar variation 681494 (VCV000681494.1), dbSNP rs557031994, ClinGen allele CA507342300.

ClinVar aggregate classification (germline): Likely benign (1 of 4 stars; one submission).

Allele frequency attached by ClinVar (database versions not stated): TOPMed 0.00001.
gnomAD v4.1: 1 of 1,552,320 alleles (0.000064%); highest among the groups gnomAD compares: East Asian, 0.0024%; no homozygotes.

Submission:

GeneDx
Classification: Likely benign. Last evaluated: 2018-06-11. Review status: criteria provided, single submitter. Criteria: GeneDx Variant Classification (06012015). Collection method: clinical testing. Allele origin: germline. Affected: yes.
Comment: This variant is considered likely benign or benign based on one or more of the following criteria: it is a conservative change, it occurs at a poorly conserved position in the protein, it is predicted to be benign by multiple in silico algorithms, and/or has population frequency not consistent with disease.